The following is an entry in ClinVar:

NM_005876.5(SPEG):c.9480G>A (p.Pro3160=)

Genes: ASIC4-AS1 (ASIC4 antisense RNA 1; minus strand), SPEG (striated muscle enriched protein kinase; plus strand). Cytogenetic location: 2q35.
Variant type: single nucleotide variant.
Coding change: c.9480G>A on transcript NM_005876.5 (MANE Select); coding-DNA position 9480, G replaced by A.
Protein change: p.Pro3160=; no amino-acid change (proline 3160 retained).
Molecular consequence: synonymous variant.
Genome position (GRCh38, 1-based): chr2:219,492,129, G>A. VCF-style: chr2-219492129-G-A. GRCh37 (hg19) VCF-style: chr2-220356851-G-A.
Other names: c.9480G>A (NM_005876.4).
Identifiers: ClinVar variation 1588937 (VCV001588937.11), dbSNP rs529902389, ClinGen allele CA2127785.

ClinVar aggregate classification (germline): Benign/Likely benign. Review status: criteria provided, multiple submitters, no conflicts (2 of 4 stars). 3 submissions from 3 submitters: Benign (1); Likely benign (1). 1 of the submissions does not count toward it. Last evaluated 2025-11-19.

Conditions:
SPEG-related disorder. Also called: SPEG-related condition.

Allele frequency attached by ClinVar (database versions not stated): gnomAD 0.00001 and 0.00005; TOPMed 0.00002; 1000 Genomes Project 30x 0.00016; gnomAD exomes 0.00016 and 0.00033; 1000 Genomes Project 0.00020; ExAC 0.00037.
gnomAD v4.1: 249 of 1,613,166 alleles (0.015%); highest among the groups gnomAD compares: South Asian, 0.23%; 3 homozygotes.

Submissions (3):

Labcorp Genetics (formerly Invitae), Labcorp
Classification: Benign. Last evaluated: 2025-11-19. Review status: criteria provided, single submitter. Criteria: Invitae Variant Classification Sherloc (09022015). Collection method: clinical testing. Allele origin: germline.

Blueprint Genetics
Classification: Likely benign. Last evaluated: 2024-07-11. Review status: criteria provided, single submitter. Criteria: ACMG Guidelines, 2015. Collection method: clinical testing. Allele origin: germline.

PreventionGenetics, part of Exact Sciences
Classification: Likely benign for SPEG-related condition. Last evaluated: 2019-06-05. Review status: no assertion criteria provided. Collection method: clinical testing. Allele origin: germline. Not counted in ClinVar's aggregate classification.
Comment: This variant is classified as likely benign based on ACMG/AMP sequence variant interpretation guidelines (Richards et al. 2015 PMID: 25741868, with internal and published modifications).